The following is an entry in ClinVar:

ClinVar aggregate classification (germline): Uncertain significance. Review status: criteria provided, multiple submitters, no conflicts (2 of 4 stars). 2 submissions from 2 submitters: Uncertain significance (2). Last evaluated 2024-02-17.

gnomAD v4.1: 29 of 1,548,704 alleles (0.0019%); highest among the groups gnomAD compares: Admixed American, 0.0065%; no homozygotes.

Submissions (2):

Labcorp Genetics (formerly Invitae), Labcorp
Classification: Uncertain significance. Last evaluated: 2024-02-17. Review status: criteria provided, single submitter. Criteria: Invitae Variant Classification Sherloc (09022015). Collection method: clinical testing. Allele origin: germline.
Comment: This sequence change replaces arginine, which is basic and polar, with glutamine, which is neutral and polar, at codon 663 of the RASGRP1 protein (p.Arg663Gln). This variant is present in population databases (rs144303289, gnomAD 0.01%). This variant has not been reported in the literature in individuals affected with RASGRP1-related conditions. ClinVar contains an entry for this variant (Variation ID: 1062401). Advanced modeling of protein sequence and biophysical properties (such as structural, functional, and spatial information, amino acid conservation, physicochemical variation, residue mobility, and thermodynamic stability) performed at Invitae indicates that this missense variant is not expected to disrupt RASGRP1 protein function with a negative predictive value of 80%. In summary, the available evidence is currently insufficient to determine the role of this variant in disease. Therefore, it has been classified as a Variant of Uncertain Significance.

Blueprint Genetics
Classification: Uncertain significance. Last evaluated: 2022-09-30. Review status: criteria provided, single submitter. Criteria: ACMG Guidelines, 2015. Collection method: clinical testing. Allele origin: germline.

NM_005739.4(RASGRP1):c.1988G>A (p.Arg663Gln)

Gene: RASGRP1 (RAS guanyl releasing protein 1; minus strand). Cytogenetic location: 15q14.
Variant type: single nucleotide variant.
Coding change: c.1988G>A on transcript NM_005739.4 (MANE Select); coding-DNA position 1988, G replaced by A.
Protein change: p.Arg663Gln; replaces arginine 663 with glutamine.
Molecular consequence: missense variant. On other transcripts: intron variant (1).
Genome position (GRCh38, 1-based): chr15:38,494,653, C>T on the plus strand (G>A on the coding strand, the complement: RASGRP1 is on the minus strand). VCF-style: chr15-38494653-C-T. GRCh37 (hg19) VCF-style: chr15-38786854-C-T.
Other names: c.1883G>A, p.Arg628Gln (NM_001128602.2); c.1769-3965G>A (NM_001306086.2); short protein forms R628Q, R663Q.
Identifiers: ClinVar variation 1062401 (VCV001062401.10), dbSNP rs144303289, ClinGen allele CA7470697.
Genomic context (GRCh38, chr15:38,494,653, plus strand): 5'-CTGCCAATCCAAGGCTGTGATTCAGTCTGGGTGGCCTTGTGGGCAACAGCCCTCTTCAGC[C>T]GAAGAGAAATCTTCTGTGAGGACACTCCCATCAGCATGATGGTCCGATCCTTACTCTCCT-3'
Protein context (NP_005730.2, residues 653-673): MGVSSQKISL[Arg663Gln]LKRAVAHKAT